The following is an entry in ClinVar:

NM_000059.4(BRCA2):c.2187A>G (p.Ile729Met)

Gene: BRCA2 (BRCA2 DNA repair associated; plus strand). Cytogenetic location: 13q13.1.
Variant type: single nucleotide variant.
Coding change: c.2187A>G on transcript NM_000059.4 (MANE Select); coding-DNA position 2187, A replaced by G.
Protein change: p.Ile729Met; replaces isoleucine 729 with methionine.
Molecular consequence: missense variant.
Genome position (GRCh38, 1-based): chr13:32,336,542, A>G. VCF-style: chr13-32336542-A-G. GRCh37 (hg19) VCF-style: chr13-32910679-A-G.
Other names: short protein forms I729M.
Identifiers: ClinVar variation 51254 (VCV000051254.56), dbSNP rs397507620, ClinGen allele CA014573.
Genomic context (GRCh38, chr13:32,336,542, plus strand): 5'-GTCATGCCTGCAGGAAGGACAGTGTGAAAATGATCCAAAAAGCAAAAAAGTTTCAGATAT[A>G]AAAGAAGAGGTCTTGGCTGCAGCATGTCACCCAGTACAACATTCAAAAGTGGAATACAGT-3'
Protein context (NP_000050.3, residues 719-739): NDPKSKKVSD[Ile729Met]KEEVLAAACH

ClinVar aggregate classification (germline): Conflicting classifications of pathogenicity. Review status: criteria provided, conflicting classifications (1 of 4 stars). 9 submissions from 9 submitters: Uncertain significance (8); Likely benign (1). Last evaluated 2025-08-11.

Conditions:
Hereditary cancer-predisposing syndrome. Also called: Hereditary Cancer Syndrome; Tumor predisposition; Neoplastic Syndromes, Hereditary; Hereditary neoplastic syndrome. Identifiers: Orphanet 140162, MedGen C0027672, MeSH D009386, MONDO:0015356.
Hereditary breast ovarian cancer syndrome. Also called: Breast and ovarian cancer; BRCA1- and BRCA2-Associated Hereditary Breast and Ovarian Cancer; Hereditary breast and ovarian cancer; Hereditary breast and ovarian cancer syndrome (HBOC); Hereditary breast and ovarian cancer syndrome; Hereditary breast and/or ovarian cancer syndrome. Identifiers: Orphanet 145, MedGen C0677776, MeSH D061325, MONDO:0003582. Disease mechanism: loss of function.
Breast-ovarian cancer, familial, susceptibility to, 2 (BROVCA2). Also called: BRCA2 Hereditary Breast and Ovarian Cancer. Identifiers: Orphanet 145, MedGen C2675520, MONDO:0012933, OMIM 612555. Disease mechanism: loss of function.

Allele frequency attached by ClinVar (database versions not stated): gnomAD exomes below 0.00001.

Submissions (9):

Labcorp Genetics (formerly Invitae), Labcorp
Classification: Uncertain significance for Hereditary breast ovarian cancer syndrome. Last evaluated: 2025-08-11. Review status: criteria provided, single submitter. Criteria: Invitae Variant Classification Sherloc (09022015). Collection method: clinical testing. Allele origin: germline.
Comment: This sequence change replaces isoleucine, which is neutral and non-polar, with methionine, which is neutral and non-polar, at codon 729 of the BRCA2 protein (p.Ile729Met). This variant is not present in population databases (gnomAD no frequency). This missense change has been observed in individual(s) with hereditary breast and ovarian cancer (PMID: 10978364, 28324225). ClinVar contains an entry for this variant (Variation ID: 51254). Invitae Evidence Modeling of protein sequence and biophysical properties (such as structural, functional, and spatial information, amino acid conservation, physicochemical variation, residue mobility, and thermodynamic stability) indicates that this missense variant is not expected to disrupt BRCA2 protein function with a negative predictive value of 95%. In summary, the available evidence is currently insufficient to determine the role of this variant in disease. Therefore, it has been classified as a Variant of Uncertain Significance.

Color Diagnostics, LLC DBA Color Health
Classification: Uncertain significance for Hereditary cancer-predisposing syndrome. Last evaluated: 2025-06-24. Review status: criteria provided, single submitter. Criteria: ACMG Guidelines, 2015. Collection method: clinical testing. Allele origin: germline.
Comment: This missense variant replaces isoleucine with methionine at codon 729 of the BRCA2 protein. Computational prediction suggests that this variant may not impact protein structure and function. To our knowledge, functional studies have not been reported for this variant. This variant has been reported in an individual affected with breast cancer (PMID: 10978364). This variant has not been identified in the general population by the Genome Aggregation Database (gnomAD). The available evidence is insufficient to determine the role of this variant in disease conclusively. Therefore, this variant is classified as a Variant of Uncertain Significance.

Women's Health and Genetics/Laboratory Corporation of America, LabCorp
Classification: Uncertain significance. Last evaluated: 2024-08-20. Review status: criteria provided, single submitter. Criteria: LabCorp Variant Classification Summary - May 2015. Collection method: clinical testing. Allele origin: germline.
Comment: Variant summary: BRCA2 c.2187A>G (p.Ile729Met) results in a conservative amino acid change in the encoded protein sequence. Three of five in-silico tools predict a benign effect of the variant on protein function. The variant was absent in 251228 control chromosomes (gnomAD). The available data on variant occurrences in the general population are insufficient to allow any conclusion about variant significance. c.2187A>G has been reported in the literature in individuals affected with breast cancer and/or with a risk family profle indicative of HBOC (e.g. Paschke_2000, Meisel_2017, Purrington_2020). These reports do not provide unequivocal conclusions about association of the variant with Hereditary Breast And Ovarian Cancer Syndrome. To our knowledge, no experimental evidence demonstrating an impact on protein function has been reported. The following publications have been ascertained in the context of this evaluation (PMID: 10978364, 28324225, 32868316). ClinVar contains an entry for this variant (Variation ID: 51254). Based on the evidence outlined above, the variant was classified as uncertain significance.

Blueprint Genetics
Classification: Uncertain significance. Last evaluated: 2024-01-16. Review status: criteria provided, single submitter. Criteria: ACMG Guidelines, 2015. Collection method: clinical testing. Allele origin: germline.

Ambry Genetics
Classification: Uncertain significance for Hereditary cancer-predisposing syndrome. Last evaluated: 2024-01-03. Review status: criteria provided, single submitter. Criteria: Ambry Variant Classification Scheme 2023. Collection method: clinical testing. Allele origin: germline.
Comment: The p.I729M variant (also known as c.2187A>G), located in coding exon 10 of the BRCA2 gene, results from an A to G substitution at nucleotide position 2187. The isoleucine at codon 729 is replaced by methionine, an amino acid with highly similar properties. It was also identified in a cohort of German patients considered to be at increased risk for HBOC syndrome and was classified as a variant of uncertain clinical significance (Meisel C et al. Arch. Gynecol. Obstet., 2017 May;295:1227-1238). This amino acid position is poorly conserved in available vertebrate species. In addition, this alteration is predicted to be tolerated by in silico analysis. Since supporting evidence is limited at this time, the clinical significance of this alteration remains unclear.

All of Us Research Program, National Institutes of Health
Classification: Uncertain significance for Breast-ovarian cancer, familial, susceptibility to, 2. Last evaluated: 2023-12-01. Review status: criteria provided, single submitter. Criteria: ACMG Guidelines, 2015. Collection method: clinical testing. Allele origin: germline. Inheritance: Autosomal dominant inheritance. Observed: 2 variant alleles, 2 heterozygotes.
Comment: This study involves interpretation of variants in research participants for the purpose of population health screening. Participant phenotype was not available at the time of variant classification. Additional details can be found in publication PMID: 35346344, PMCID: PMC8962531

University of Washington Department of Laboratory Medicine, University of Washington
Classification: Likely benign for Hereditary cancer-predisposing syndrome. Last evaluated: 2023-03-23. Review status: criteria provided, single submitter. Criteria: Dines et al. (Genet Med. 2020). Collection method: curation. Allele origin: germline.
Comment: Missense variant in a coldspot region where missense variants are very unlikely to be pathogenic (PMID:31911673).

BRCA2 exon 11 coldspot. Reclassification based on statistical prior probability.

CeGaT Center for Human Genetics Tuebingen
Classification: Uncertain significance. Last evaluated: 2020-09-01. Review status: criteria provided, single submitter. Criteria: CeGaT Center For Human Genetics Tuebingen Variant Classification Criteria Version 2. Collection method: clinical testing. Allele origin: germline. Affected: yes. Observed: 1 variant allele.

GeneDx
Classification: Uncertain significance. Last evaluated: 2016-09-28. Review status: criteria provided, single submitter. Criteria: GeneDx Variant Classification (06012015). Collection method: clinical testing. Allele origin: germline. Affected: yes.
Comment: This variant is denoted BRCA2 c.2187A>G at the cDNA level, p.Ile729Met (I729M) at the protein level, and results in the change of an Isoleucine to a Methionine (ATA>ATG). Using alternate nomenclature, this variant has been previously published as BRCA2 2415A>G. BRCA2 Ile729Met was not observed in approximately 6,500 individuals of European and African American ancestry in the NHLBI Exome Sequencing Project, suggesting it is not a common benign variant in these populations. Since Isoleucine and Methionine share similar properties, this is considered a conservative amino acid substitution. BRCA2 Ile729Met occurs at a position that is not conserved and is not located in a known functional domain (UniProt). In silico analyses are inconsistent regarding the effect this variant may have on protein structure and function. Based on currently available evidence, it is unclear whether BRCA2 Ile729Met is a pathogenic or benign variant. We consider it to be a variant of uncertain significance.

Literature cited by the submitters: PubMed 10978364 (cited by 4 submitters); PubMed 28324225 (cited by 3 submitters); PubMed 32868316 (cited by Women's Health and Genetics/Laboratory Corporation of America, LabCorp).